The following is an entry in ClinVar:

NM_001289125.3(IFNAR2):c.892G>A (p.Ala298Thr)

Genes: IFNAR2 (interferon alpha and beta receptor subunit 2; plus strand), IFNAR2-IL10RB (IFNAR2-IL10RB readthrough; plus strand). Cytogenetic location: 21q22.11.
Variant type: single nucleotide variant.
Coding change: c.892G>A on transcript NM_001289125.3 (MANE Select); coding-DNA position 892, G replaced by A.
Protein change: p.Ala298Thr; replaces alanine 298 with threonine.
Molecular consequence: missense variant. On other transcripts: 3 prime UTR variant (5).
Genome position (GRCh38, 1-based): chr21:33,262,844, G>A. VCF-style: chr21-33262844-G-A. GRCh37 (hg19) VCF-style: chr21-34635149-G-A.
Other names: c.*128G>A (NM_000874.5, NM_207584.3); c.*41G>A (NM_001289126.2, NM_001289128.2); c.*267G>A (NM_001385054.1); c.892G>A, p.Ala298Thr (NM_001385055.1, NM_207585.3); short protein forms A298T.
Identifiers: ClinVar variation 1436417 (VCV001436417.5), dbSNP rs138841399, ClinGen allele CA10005871.

ClinVar aggregate classification (germline): Uncertain significance (1 of 4 stars; one submission).

Allele frequency attached by ClinVar (database versions not stated): gnomAD exomes 0.00001 and 0.00004; ExAC 0.00004; gnomAD 0.00004 and 0.00005; TOPMed 0.00006; ESP Exome Variant Server 0.00008.
gnomAD v4.1: 18 of 1,612,552 alleles (0.0011%); highest among the groups gnomAD compares: African/African-American, 0.023%; no homozygotes.

Submission:

Labcorp Genetics (formerly Invitae), Labcorp
Classification: Uncertain significance. Last evaluated: 2022-08-15. Review status: criteria provided, single submitter. Criteria: Invitae Variant Classification Sherloc (09022015). Collection method: clinical testing. Allele origin: germline.
Comment: This sequence change replaces alanine, which is neutral and non-polar, with threonine, which is neutral and polar, at codon 298 of the IFNAR2 protein (p.Ala298Thr). This variant is present in population databases (rs138841399, gnomAD 0.03%). This variant has not been reported in the literature in individuals affected with IFNAR2-related conditions. ClinVar contains an entry for this variant (Variation ID: 1436417). Algorithms developed to predict the effect of missense changes on protein structure and function output the following: SIFT: "Tolerated"; PolyPhen-2: "Benign"; Align-GVGD: "Class C0". The threonine amino acid residue is found in multiple mammalian species, which suggests that this missense change does not adversely affect protein function. In summary, the available evidence is currently insufficient to determine the role of this variant in disease. Therefore, it has been classified as a Variant of Uncertain Significance.